The following is an entry in ClinVar:

ClinVar aggregate classification (germline): Pathogenic/Likely pathogenic. Review status: criteria provided, multiple submitters, no conflicts (2 of 4 stars). 2 submissions from 2 submitters: Pathogenic (1); Likely pathogenic (1). Last evaluated 2026-04-14.

Conditions:
Familial intrahepatic cholestasis. Identifiers: Orphanet 284385, MedGen CN296401, MONDO:0017290.

Submissions (2):

Genomenon, Inc
Classification: Likely pathogenic for Familial intrahepatic cholestasis. Last evaluated: 2026-04-14. Review status: criteria provided, single submitter. Criteria: Genomenon Sequence Variant Interpretation Standards - Updated. Collection method: curation. Allele origin: germline. Affected: no.
Comment: ATP8B1 p.Glu20Ter (c.58G>T) is a nonsense variant that introduces a premature stop codon at amino acid position 20, creating a truncated protein that may be subject to nonsense-mediated mRNA decay. This variant has been reported in the published literature (PMID:37208429). It is absent or not present at a significant frequency in gnomAD. In conclusion, we classify ATP8B1 p.Glu20Ter (c.58G>T) as a likely pathogenic variant.

Labcorp Genetics (formerly Invitae), Labcorp
Classification: Pathogenic. Last evaluated: 2023-07-19. Review status: criteria provided, single submitter. Criteria: Invitae Variant Classification Sherloc (09022015). Collection method: clinical testing. Allele origin: germline.
Comment: This variant has not been reported in the literature in individuals affected with ATP8B1-related conditions. For these reasons, this variant has been classified as Pathogenic. This variant is not present in population databases (gnomAD no frequency). This sequence change creates a premature translational stop signal (p.Glu20*) in the ATP8B1 gene. It is expected to result in an absent or disrupted protein product. Loss-of-function variants in ATP8B1 are known to be pathogenic (PMID: 15239083, 22525741).

Literature cited by the submitters: PubMed 37208429 (cited by Genomenon, Inc); PubMed 15239083 (cited by Labcorp Genetics (formerly Invitae), Labcorp); PubMed 22525741 (cited by Labcorp Genetics (formerly Invitae), Labcorp).

NM_001374385.1(ATP8B1):c.58G>T (p.Glu20Ter)

Gene: ATP8B1 (ATPase phospholipid transporting 8B1; minus strand). Cytogenetic location: 18q21.31.
Variant type: single nucleotide variant.
Coding change: c.58G>T on transcript NM_001374385.1 (MANE Select); coding-DNA position 58, G replaced by T.
Protein change: p.Glu20Ter; replaces glutamic acid 20 with a stop codon.
Molecular consequence: nonsense. On other transcripts: synonymous variant (1).
Genome position (GRCh38, 1-based): chr18:57,731,750, C>A on the plus strand (G>T on the coding strand, the complement: ATP8B1 is on the minus strand). VCF-style: chr18-57731750-C-A. GRCh37 (hg19) VCF-style: chr18-55398982-C-A.
Other names: c.6G>T, p.Thr2= (NM_001374386.1); c.58G>T, p.Glu20Ter (NM_005603.6); short protein forms E20*.
Identifiers: ClinVar variation 2740319 (VCV002740319.4), dbSNP rs1455274169, ClinGen allele CA402557378.